The following is an entry in ClinVar:

NM_001289.6(CLIC2):c.103C>T (p.Arg35Cys)

Gene: CLIC2 (CLIC family member 2; minus strand). Cytogenetic location: Xq28.
Variant type: single nucleotide variant.
Coding change: c.103C>T on transcript NM_001289.6 (MANE Select); coding-DNA position 103, C replaced by T.
Protein change: p.Arg35Cys; replaces arginine 35 with cysteine.
Molecular consequence: missense variant.
Genome position (GRCh38, 1-based): chrX:155,299,100, G>A on the plus strand (C>T on the coding strand, the complement: CLIC2 is on the minus strand). VCF-style: chrX-155299100-G-A. GRCh37 (hg19) VCF-style: chrX-154528413-G-A.
Other names: short protein forms R35C.
Identifiers: ClinVar variation 1029305 (VCV001029305.1), dbSNP rs1446453794, ClinGen allele CA414933945.

ClinVar aggregate classification (germline): Uncertain significance (1 of 4 stars; one submission).

Conditions:
Intellectual developmental disorder, X-linked, syndromic 32. Also called: X-linked intellectual disability-cardiomegaly-congestive heart failure syndrome. Identifiers: Orphanet 324410, MedGen C3550913, MONDO:0010473, OMIM 300886.

Allele frequency attached by ClinVar (database versions not stated): gnomAD exomes 0.00001; gnomAD 0.00003; TOPMed 0.00001.
gnomAD v4.1: 15 of 1,207,750 alleles (0.0012%); highest among the groups gnomAD compares: African/African-American, 0.0088%; no homozygotes.

Submission:

Baylor Genetics
Classification: Uncertain significance for Intellectual developmental disorder, X-linked, syndromic 32. Last evaluated: 2019-12-26. Review status: criteria provided, single submitter. Criteria: ACMG Guidelines, 2015. Collection method: clinical testing. Allele origin: unknown. Affected: yes.
Comment: This variant was determined to be of uncertain significance according to ACMG Guidelines, 2015 [PMID:25741868].